The following is an entry in ClinVar:

ClinVar aggregate classification (germline): Benign. Review status: criteria provided, multiple submitters, no conflicts (2 of 4 stars). 8 submissions from 8 submitters: Benign (6). 2 of the submissions do not count toward it. Last evaluated 2026-05-18.

Conditions:
Bardet-Biedl syndrome 9 (BBS9). Identifiers: Orphanet 110, MedGen C1859567, MONDO:0014437, OMIM 615986.
Bardet-Biedl syndrome (BBS). Identifiers: Orphanet 110, MedGen C0752166, MONDO:0015229.

Allele frequency attached by ClinVar (database versions not stated): 1000 Genomes Project 0.19908; 1000 Genomes Project 30x 0.20456; gnomAD exomes 0.23987 and 0.28173; ExAC 0.24351; TOPMed 0.25764; gnomAD 0.26303 and 0.26909; ESP Exome Variant Server 0.27634.
gnomAD v4.1: 449,265 of 1,606,276 alleles (28%); highest among the groups gnomAD compares: Non-Finnish European, 30%; 65,673 homozygotes.

Submissions (8):

Women's Health and Genetics/Laboratory Corporation of America, LabCorp
Classification: Benign. Last evaluated: 2026-05-18. Review status: criteria provided, single submitter. Criteria: LabCorp Variant Classification Summary - May 2015. Collection method: clinical testing. Allele origin: germline.

Labcorp Genetics (formerly Invitae), Labcorp
Classification: Benign for Bardet-Biedl syndrome. Last evaluated: 2026-02-04. Review status: criteria provided, single submitter. Criteria: Invitae Variant Classification Sherloc (09022015). Collection method: clinical testing. Allele origin: germline.

Blueprint Genetics
Classification: Benign. Last evaluated: 2024-11-27. Review status: criteria provided, single submitter. Criteria: ACMG Guidelines, 2015. Collection method: clinical testing. Allele origin: germline.

GeneDx
Classification: Benign. Last evaluated: 2018-11-10. Review status: criteria provided, single submitter. Criteria: GeneDx Variant Classification Process June 2021. Collection method: clinical testing. Allele origin: germline. Affected: yes.

Illumina Laboratory Services, Illumina
Classification: Benign for Bardet-Biedl syndrome 9. Last evaluated: 2018-01-12. Review status: criteria provided, single submitter. Criteria: ICSL Variant Classification Criteria 13 December 2019. Collection method: clinical testing. Allele origin: germline.
Comment: This variant was observed in the ICSL laboratory as part of a predisposition screen in an ostensibly healthy population. It had not been previously curated by ICSL or reported in the Human Gene Mutation Database (HGMD: prior to June 1st, 2018), and was therefore a candidate for classification through an automated scoring system. Utilizing variant allele frequency, disease prevalence and penetrance estimates, and inheritance mode, an automated score was calculated to assess if this variant is too frequent to cause the disease. Based on the score and internal cut-off values, a variant classified as benign is not then subjected to further curation. The score for this variant resulted in a classification of benign for this disease.

PreventionGenetics, part of Exact Sciences
Classification: Benign. Review status: criteria provided, single submitter. Criteria: ACMG Guidelines, 2015. Collection method: clinical testing. Allele origin: germline.

Clinical Genetics DNA and cytogenetics Diagnostics Lab, Erasmus MC, Erasmus Medical Center
Classification: Benign. Review status: no assertion criteria provided. Collection method: clinical testing. Allele origin: germline. Affected: yes. Study: VKGL Data-share Consensus. Not counted in ClinVar's aggregate classification.

Joint Genome Diagnostic Labs from Nijmegen and Maastricht, Radboudumc and MUMC+
Classification: Benign. Review status: no assertion criteria provided. Collection method: clinical testing. Allele origin: germline. Affected: yes. Study: VKGL Data-share Consensus. Not counted in ClinVar's aggregate classification.

NM_198428.3(BBS9):c.1275+13G>T

Gene: BBS9 (Bardet-Biedl syndrome 9; plus strand). Cytogenetic location: 7p14.3.
Variant type: single nucleotide variant.
Coding change: c.1275+13G>T on transcript NM_198428.3 (MANE Select); 13 bases into the intron after coding-DNA position 1275, G replaced by T.
Molecular consequence: intron variant.
Genome position (GRCh38, 1-based): chr7:33,340,986, G>T. VCF-style: chr7-33340986-G-T. GRCh37 (hg19) VCF-style: chr7-33380598-G-T.
Other names: c.1275+13G>T (NM_001348036.1, NM_001362679.1, NM_001348041.4 and 5 more transcripts); c.1002+13G>T (NM_001348038.3, NM_001348039.3); c.1140+13G>T (NM_001348042.3); c.909+13G>T (NM_001348045.3, NM_001348046.3, NM_001348044.3 and 1 more transcripts).
Identifiers: ClinVar variation 263114 (VCV000263114.20), dbSNP rs11981364, ClinGen allele CA4214236.
Genomic context (GRCh38, chr7:33,340,986, plus strand): 5'-GACTTGAACGTTTCTGTCGTGGTTTCTCCTAACTTTGATTCAGTTTCTGTAGGTGTACTT[G>T]CAGATTTTAAAGGGGTTTATAAGAGTGGTAAACTCTGATGAATTAGGACCAAAATGCATT-3'